The following is an entry in ClinVar:

ClinVar aggregate classification (germline): Uncertain significance (1 of 4 stars; one submission).

Submission:

Labcorp Genetics (formerly Invitae), Labcorp
Classification: Uncertain significance. Last evaluated: 2024-10-26. Review status: criteria provided, single submitter. Criteria: Invitae Variant Classification Sherloc (09022015). Collection method: clinical testing. Allele origin: germline.
Comment: This sequence change replaces histidine, which is basic and polar, with asparagine, which is neutral and polar, at codon 840 of the TTLL5 protein (p.His840Asn). This variant is not present in population databases (gnomAD no frequency). This variant has not been reported in the literature in individuals affected with TTLL5-related conditions. ClinVar contains an entry for this variant (Variation ID: 1008511). An algorithm developed to predict the effect of missense changes on protein structure and function (PolyPhen-2) suggests that this variant¬†is likely to be tolerated. In summary, the available evidence is currently insufficient to determine the role of this variant in disease. Therefore, it has been classified as a Variant of Uncertain Significance.

NM_015072.5(TTLL5):c.2518C>A (p.His840Asn)

Gene: TTLL5 (tubulin tyrosine ligase like 5; plus strand). Cytogenetic location: 14q24.3.
Variant type: single nucleotide variant.
Coding change: c.2518C>A on transcript NM_015072.5 (MANE Select); coding-DNA position 2518, C replaced by A.
Protein change: p.His840Asn; replaces histidine 840 with asparagine.
Molecular consequence: missense variant.
Genome position (GRCh38, 1-based): chr14:75,782,489, C>A. VCF-style: chr14-75782489-C-A. GRCh37 (hg19) VCF-style: chr14-76248832-C-A.
Other names: short protein forms H840N.
Identifiers: ClinVar variation 1008511 (VCV001008511.5), dbSNP rs371166683, ClinGen allele CA390470604.
Genomic context (GRCh38, chr14:75,782,489, plus strand): 5'-GAACAGCGGACTTGCAATTGATTATAAGAGAGTCCAAGCTCATTATTTCTTATTTCAGAT[C>A]ACCCTGAGACTATAATGGAAGAAGTGAAAATAAAGCCACCTAAACAGCAACAGACGACAG-3'
Protein context (NP_055887.3, residues 830-850): NYSDSGAKGD[His840Asn]PETIMEEVKI